The following is an entry in ClinVar:

ClinVar aggregate classification (germline): Uncertain significance (1 of 4 stars; one submission).

Conditions:
Welander distal myopathy (WDM). Also called: Welander distal myopathy, Swedish type; MUSCULAR DYSTROPHY, DISTAL, LATE-ONSET, AUTOSOMAL DOMINANT; Gower's muscular dystrophy; Distal myopathy, Swedish type. Identifiers: Orphanet 603, MedGen C0221054, MONDO:0011466, OMIM 604454.

Allele frequency attached by ClinVar (database versions not stated): TOPMed below 0.00001; gnomAD 0.00001.
gnomAD v4.1: 3 of 1,610,302 alleles (0.00019%); highest among the groups gnomAD compares: Admixed American, 0.0034%; no homozygotes.

Submission:

Labcorp Genetics (formerly Invitae), Labcorp
Classification: Uncertain significance for Welander distal myopathy. Last evaluated: 2021-03-26. Review status: criteria provided, single submitter. Criteria: Invitae Variant Classification Sherloc (09022015). Collection method: clinical testing. Allele origin: germline.
Comment: This variant has not been reported in the literature in individuals with TIA1-related conditions. Algorithms developed to predict the effect of missense changes on protein structure and function are either unavailable or do not agree on the potential impact of this missense change (SIFT: "Deleterious"; PolyPhen-2: "Possibly Damaging"; Align-GVGD: "Class C0"). In summary, the available evidence is currently insufficient to determine the role of this variant in disease. Therefore, it has been classified as a Variant of Uncertain Significance. This sequence change replaces leucine with arginine at codon 14 of the TIA1 protein (p.Leu14Arg). The leucine residue is highly conserved and there is a moderate physicochemical difference between leucine and arginine. This variant is not present in population databases (ExAC no frequency).

NM_022173.4(TIA1):c.41T>G (p.Leu14Arg)

Gene: TIA1 (TIA1 cytotoxic granule associated RNA binding protein; minus strand). Cytogenetic location: 2p13.3.
Variant type: single nucleotide variant.
Coding change: c.41T>G on transcript NM_022173.4 (MANE Select); coding-DNA position 41, T replaced by G.
Protein change: p.Leu14Arg; replaces leucine 14 with arginine.
Molecular consequence: missense variant. On other transcripts: 5 prime UTR variant (7), non-coding transcript variant (16), intron variant (2).
Genome position (GRCh38, 1-based): chr2:70,236,161, A>C on the plus strand (T>G on the coding strand, the complement: TIA1 is on the minus strand). VCF-style: chr2-70236161-A-C. GRCh37 (hg19) VCF-style: chr2-70463293-A-C.
Other names: c.41T>G, p.Leu14Arg (NM_001351508.2, NM_001351509.2, NM_001351510.2 and 7 more transcripts); c.-71T>G (NM_001351511.1, NM_001351512.1, NM_001351513.1); c.-349T>G (NM_001351515.2); c.-598T>G (NM_001351517.2); c.-375T>G (NM_001351524.2); c.-413T>G (NM_001351525.2); c.-72-5307T>G (NM_001351514.2, NM_001351523.2); short protein forms L14R.
Identifiers: ClinVar variation 1382266 (VCV001382266.8), dbSNP rs1688810005, ClinGen allele CA347159841.